The following is an entry in ClinVar:

ClinVar aggregate classification (germline): Uncertain significance. Review status: criteria provided, multiple submitters, no conflicts (2 of 4 stars). 2 submissions from 2 submitters: Uncertain significance (2). Last evaluated 2023-07-07.

Conditions:
Autosomal dominant nonsyndromic hearing loss 1. Also called: KONIGSMARK SYNDROME; DEAFNESS, AUTOSOMAL DOMINANT 1, WITH OR WITHOUT THROMBOCYTOPENIA. Identifiers: Orphanet 90635, MedGen C1852282, MONDO:0007424, OMIM 124900.
Progressive microcephaly-seizures-cortical blindness-developmental delay syndrome. Also called: Seizures, cortical blindness, and microcephaly syndrome. Identifiers: Orphanet 477814, MedGen C5567650, MONDO:0014714, OMIM 616632.

Submissions (2):

Labcorp Genetics (formerly Invitae), Labcorp
Classification: Uncertain significance for Progressive microcephaly-seizures-cortical blindness-developmental delay syndrome; Autosomal dominant nonsyndromic hearing loss 1. Last evaluated: 2023-07-07. Review status: criteria provided, single submitter. Criteria: Invitae Variant Classification Sherloc (09022015). Collection method: clinical testing. Allele origin: germline.
Comment: This variant, c.1839_1853del, results in the deletion of 5 amino acid(s) of the DIAPH1 protein (p.Pro616_Pro620del), but otherwise preserves the integrity of the reading frame. This variant is not present in population databases (gnomAD no frequency). This variant has not been reported in the literature in individuals affected with DIAPH1-related conditions. ClinVar contains an entry for this variant (Variation ID: 1022074). Experimental studies and prediction algorithms are not available or were not evaluated, and the functional significance of this variant is currently unknown. In summary, the available evidence is currently insufficient to determine the role of this variant in disease. Therefore, it has been classified as a Variant of Uncertain Significance.

GeneDx
Classification: Uncertain significance. Last evaluated: 2020-04-01. Review status: criteria provided, single submitter. Criteria: GeneDx Variant Classification Process June 2021. Collection method: clinical testing. Allele origin: germline. Affected: yes.
Comment: Not observed in large population cohorts (Lek et al., 2016); In-frame deletion of 5 amino acids in a repetitive region with no known function; Has not been previously published as pathogenic or benign to our knowledge

NM_005219.5(DIAPH1):c.1821TCC[6] (p.Pro616_Pro620del)

Gene: DIAPH1 (diaphanous related formin 1; minus strand). Cytogenetic location: 5q31.3.
Variant type: Microsatellite.
Coding change: c.1821TCC[6] on transcript NM_005219.5 (MANE Select); six copies in a row of the 3-base unit TCC starting at c.1821; the reference has 11 copies in a row; five copies, 15 bases deleted.
Protein change: p.Pro616_Pro620del.
Molecular consequence: inframe deletion.
Genome position (GRCh38, 1-based): chr5:141,573,997-141,574,011, GGAGGAGGAGGAGGA deleted on the plus strand (TCCTCCTCCTCCTCC on the coding strand, the reverse complement: DIAPH1 is on the minus strand); deleting any 15 consecutive bases within chr5:141,573,997-141,574,030 gives the same sequence; the position shown is the placement nearest the transcript's 3' end. VCF-style (leftmost placement, unchanged base first): chr5-141573996-TGGAGGAGGAGGAGGA-T. GRCh37 (hg19) VCF-style: chr5-140953563-TGGAGGAGGAGGAGGA-T.
Other names: c.1794TCC[6], p.Pro607_Pro611del (NM_001079812.3); c.1821TCC[6], p.Pro616_Pro620del (NM_001314007.2).
Identifiers: ClinVar variation 1022074 (VCV001022074.12), dbSNP rs3075570, ClinGen allele CA3479202.
Genomic context (GRCh38, chr5:141,573,996, plus strand): 5'-AGCAGTACCTCCAGGTAAAGAAGGGGGTGAGGAGATGCAAACACCCCCAGGCAAAGGAGG[TGGAGGAGGAGGAGGA>T]GGAGGAGGAGGAGGAGGAGTGGTACTATCCCCAGGAGCAGGTGGTGGTGGAATAATAGTG-3'